The following is an entry in ClinVar:

NM_021147.5(CCNO):c.248dup (p.Pro84fs)

Genes: CCNO (cyclin O; minus strand), LOC129993895 (ATAC-STARR-seq lymphoblastoid silent region 16013; plus strand). Cytogenetic location: 5q11.2.
Variant type: Duplication.
Coding change: c.248dup on transcript NM_021147.5 (MANE Select); coding-DNA position 248, one base duplicated (T; older notation c.248dupT).
Protein change: p.Pro84fs; shifts the reading frame from proline 84.
Molecular consequence: frameshift variant. On other transcripts: non-coding transcript variant (2).
Genome position (GRCh38, 1-based): chr5:55,233,276, A duplicated on the plus strand (T on the coding strand, the reverse complement: CCNO is on the minus strand). VCF-style (leftmost placement, unchanged base first): chr5-55233275-C-CA. GRCh37 (hg19) VCF-style: chr5-54529103-C-CA.
Other names: short protein forms P84fs.
Identifiers: ClinVar variation 3649618 (VCV003649618.2).

ClinVar aggregate classification (germline): Pathogenic (1 of 4 stars; one submission).

Conditions:
Primary ciliary dyskinesia. Also called: Ciliary dyskinesia. Identifiers: Orphanet 244, MedGen C0008780, MONDO:0016575, HP:0012265.

Submission:

Labcorp Genetics (formerly Invitae), Labcorp
Classification: Pathogenic for Primary ciliary dyskinesia. Last evaluated: 2024-04-17. Review status: criteria provided, single submitter. Criteria: Invitae Variant Classification Sherloc (09022015). Collection method: clinical testing. Allele origin: germline.
Comment: This sequence change creates a premature translational stop signal (p.Pro84Alafs*52) in the CCNO gene. It is expected to result in an absent or disrupted protein product. Loss-of-function variants in CCNO are known to be pathogenic (PMID: 24747639). This variant is not present in population databases (gnomAD no frequency). This variant has not been reported in the literature in individuals affected with CCNO-related conditions. For these reasons, this variant has been classified as Pathogenic.

Literature cited by the submitters: PubMed 24747639.